The following is an entry in ClinVar:

ClinVar aggregate classification (germline): Pathogenic (1 of 4 stars; one submission).

Conditions:
Bainbridge-Ropers syndrome. Also called: Severe feeding difficulties-failure to thrive-microcephaly due to ASXL3 deficiency syndrome. Identifiers: Orphanet 352577, MedGen C4750837, MONDO:0014205, OMIM 615485.

Submission:

GeneDx
Classification: Pathogenic. Last evaluated: 2020-03-10. Review status: criteria provided, single submitter. Criteria: GeneDx Variant Classification Process June 2021. Collection method: clinical testing. Allele origin: germline. Affected: yes.
Comment: Nonsense variant predicted to result in protein truncation or nonsense mediated decay in a gene for which loss-of-function is a known mechanism of disease; Not observed in large population cohorts (Lek et al., 2016); Has not been previously published as pathogenic or benign to our knowledge

NM_030632.3(ASXL3):c.1189C>T (p.Gln397Ter)

Gene: ASXL3 (ASXL transcriptional regulator 3; plus strand). Cytogenetic location: 18q12.1.
Variant type: single nucleotide variant.
Coding change: c.1189C>T on transcript NM_030632.3 (MANE Select); coding-DNA position 1189, C replaced by T.
Protein change: p.Gln397Ter; replaces glutamine 397 with a stop codon.
Molecular consequence: nonsense.
Genome position (GRCh38, 1-based): chr18:33,738,593, C>T. VCF-style: chr18-33738593-C-T. GRCh37 (hg19) VCF-style: chr18-31318557-C-T.
Other names: short protein forms Q397*.
Identifiers: ClinVar variation 984871 (VCV000984871.5), dbSNP rs1282045990, ClinGen allele CA402174686.